The following is an entry in ClinVar:

NM_000719.7(CACNA1C):c.6329G>C (p.Gly2110Ala)

Genes: CACNA1C (calcium voltage-gated channel subunit alpha1 C; plus strand), CACNA1C-AS1 (CACNA1C antisense RNA 1; minus strand). Cytogenetic location: 12p13.33.
Variant type: single nucleotide variant.
Coding change: c.6329G>C on transcript NM_000719.7 (MANE Select); coding-DNA position 6329, G replaced by C.
Protein change: p.Gly2110Ala; replaces glycine 2110 with alanine.
Molecular consequence: missense variant. On other transcripts: non-coding transcript variant (1).
Genome position (GRCh38, 1-based): chr12:2,691,111, G>C. VCF-style: chr12-2691111-G-C. GRCh37 (hg19) VCF-style: chr12-2800277-G-C.
Other names: c.6473G>C, p.Gly2158Ala (NM_001129827.2); c.6452G>C, p.Gly2151Ala (NM_001129829.2); c.6434G>C, p.Gly2145Ala (NM_001129830.3, NM_001167624.3); c.6413G>C, p.Gly2138Ala (NM_001129831.2); c.6389G>C, p.Gly2130Ala (NM_001129832.2); c.6386G>C, p.Gly2129Ala (NM_001129833.2, NM_001129834.2, NM_001129835.2); c.6380G>C, p.Gly2127Ala (NM_001129836.2); c.6353G>C, p.Gly2118Ala (NM_001129837.2, NM_001129838.2); and 6 more; short protein forms G2107A, G2151A, G2099A, G2130A, G2138A, G2158A, G2170A, G2116A.
Identifiers: ClinVar variation 1921135 (VCV001921135.5), dbSNP rs745731628, ClinGen allele CA383387342.
Genomic context (GRCh38, chr12:2,691,111, plus strand): 5'-CCAATGGCGCCCTCTTACCCTTTGTGAACTGCAGGGACGCGGGGCAGGACCGAGCCGGGG[G>C]CGAAGAGGACGCGGGCTGTGTGCGCGCGCGGGGTCGACCGAGTGAGGAGGAGCTCCAGGA-3'
Protein context (NP_000710.5, residues 2100-2120): CRDAGQDRAG[Gly2110Ala]EEDAGCVRAR

ClinVar aggregate classification (germline): Uncertain significance (1 of 4 stars; one submission).

Conditions:
Long QT syndrome (LQTS). Identifiers: MedGen C0023976, MeSH D008133, MONDO:0002442. Disease mechanism: loss of function. Inheritance: Various modes of inheritance.

gnomAD v4.1: 1 of 1,612,062 alleles (0.000062%); highest among the groups gnomAD compares: Non-Finnish European, 0.000085%; no homozygotes.

Submission:

Labcorp Genetics (formerly Invitae), Labcorp
Classification: Uncertain significance for Long QT syndrome. Last evaluated: 2023-05-22. Review status: criteria provided, single submitter. Criteria: Invitae Variant Classification Sherloc (09022015). Collection method: clinical testing. Allele origin: germline.
Comment: This sequence change replaces glycine, which is neutral and non-polar, with alanine, which is neutral and non-polar, at codon 2110 of the CACNA1C protein (p.Gly2110Ala). This variant is not present in population databases (gnomAD no frequency). This variant has not been reported in the literature in individuals affected with CACNA1C-related conditions. ClinVar contains an entry for this variant (Variation ID: 1921135). Advanced modeling of protein sequence and biophysical properties (such as structural, functional, and spatial information, amino acid conservation, physicochemical variation, residue mobility, and thermodynamic stability) performed at Invitae indicates that this missense variant is not expected to disrupt CACNA1C protein function. In summary, the available evidence is currently insufficient to determine the role of this variant in disease. Therefore, it has been classified as a Variant of Uncertain Significance.